The following is an entry in ClinVar:

ClinVar aggregate classification (germline): Likely benign. Review status: criteria provided, multiple submitters, no conflicts (2 of 4 stars). 2 submissions from 2 submitters: Likely benign (2). Last evaluated 2026-09-01.

Conditions:
Inborn genetic diseases. Identifiers: MedGen C0950123, MeSH D030342.

Allele frequency attached by ClinVar (database versions not stated): gnomAD exomes 0.00023; 1000 Genomes Project 30x 0.00031; ExAC 0.00035; TOPMed 0.00042; ESP Exome Variant Server 0.00046.
gnomAD v4.1: 412 of 1,609,386 alleles (0.026%); highest among the groups gnomAD compares: Middle Eastern, 0.23%; 3 homozygotes.

Submissions (2):

CeGaT Center for Human Genetics Tuebingen
Classification: Likely benign. Last evaluated: 2026-09-01. Review status: criteria provided, single submitter. Criteria: CeGaT Center For Human Genetics Tuebingen Variant Classification Criteria Version 2. Collection method: clinical testing. Allele origin: germline. Affected: yes. Observed: 1 variant allele.
Comment: FBXO28: BP4, BS2

Ambry Genetics
Classification: Likely benign for Inborn genetic diseases. Last evaluated: 2023-07-31. Review status: criteria provided, single submitter. Criteria: Ambry Variant Classification Scheme 2023. Collection method: clinical testing. Allele origin: germline.

NM_015176.4(FBXO28):c.726T>C (p.Ser242=)

Gene: FBXO28 (F-box protein 28; plus strand). Cytogenetic location: 1q42.11.
Variant type: single nucleotide variant.
Coding change: c.726T>C on transcript NM_015176.4 (MANE Select); coding-DNA position 726, T replaced by C.
Protein change: p.Ser242=; no amino-acid change (serine 242 retained).
Molecular consequence: synonymous variant. On other transcripts: missense variant (1), non-coding transcript variant (1).
Genome position (GRCh38, 1-based): chr1:224,157,365, T>C. VCF-style: chr1-224157365-T-C. GRCh37 (hg19) VCF-style: chr1-224345067-T-C.
Other names: c.530T>C, p.Leu177Pro (NM_001136115.3); short protein forms L177P.
Identifiers: ClinVar variation 2592995 (VCV002592995.3), dbSNP rs189250147, ClinGen allele CA1413484.